The following is an entry in ClinVar:

NM_001366385.1(CARD14):c.1270T>G (p.Cys424Gly)

Gene: CARD14 (caspase recruitment domain family member 14; plus strand). Cytogenetic location: 17q25.3.
Variant type: single nucleotide variant.
Coding change: c.1270T>G on transcript NM_001366385.1 (MANE Select); coding-DNA position 1270, T replaced by G.
Protein change: p.Cys424Gly; replaces cysteine 424 with glycine.
Molecular consequence: missense variant. On other transcripts: non-coding transcript variant (1).
Genome position (GRCh38, 1-based): chr17:80,192,533, T>G. VCF-style: chr17-80192533-T-G. GRCh37 (hg19) VCF-style: chr17-78166332-T-G.
Other names: c.1270T>G, p.Cys424Gly (NM_001257970.1, NM_024110.4); c.559T>G, p.Cys187Gly (NM_052819.3); short protein forms C187G, C424G.
Identifiers: ClinVar variation 2940297 (VCV002940297.3), dbSNP rs567958673, ClinGen allele CA401347438.

ClinVar aggregate classification (germline): Uncertain significance (1 of 4 stars; one submission).

Conditions:
Psoriasis 2. Identifiers: MedGen C1864497, MONDO:0011269, OMIM 602723.
Pityriasis rubra pilaris (PRP). Also called: Pityriasis rubra pilaris--familial type. Identifiers: Orphanet 2897, MedGen C0032027, MONDO:0100017, OMIM 173200, MONDO:0008251.

Submission:

Labcorp Genetics (formerly Invitae), Labcorp
Classification: Uncertain significance for Pityriasis rubra pilaris; Psoriasis 2. Last evaluated: 2023-12-26. Review status: criteria provided, single submitter. Criteria: Invitae Variant Classification Sherloc (09022015). Collection method: clinical testing. Allele origin: germline.
Comment: This sequence change replaces cysteine, which is neutral and slightly polar, with glycine, which is neutral and non-polar, at codon 424 of the CARD14 protein (p.Cys424Gly). This variant is not present in population databases (gnomAD no frequency). This variant has not been reported in the literature in individuals affected with CARD14-related conditions. Advanced modeling of protein sequence and biophysical properties (such as structural, functional, and spatial information, amino acid conservation, physicochemical variation, residue mobility, and thermodynamic stability) performed at Invitae indicates that this missense variant is not expected to disrupt CARD14 protein function with a negative predictive value of 80%. In summary, the available evidence is currently insufficient to determine the role of this variant in disease. Therefore, it has been classified as a Variant of Uncertain Significance.